The following is an entry in ClinVar:

ClinVar aggregate classification (germline): Pathogenic. Review status: criteria provided, multiple submitters, no conflicts (2 of 4 stars). 3 submissions from 3 submitters: Pathogenic (3). Last evaluated 2025-10-21.

Conditions:
Polyglandular autoimmune syndrome, type 1 (APS1). Also called: HYPOADRENOCORTICISM WITH HYPOPARATHYROIDISM AND SUPERFICIAL MONILIASIS; PGA I; Autoimmune polyendocrinopathy syndrome , type I, with or without reversible metaphyseal dysplasia; APS I; Autoimmune polyendocrine syndrome type 1; Autoimmune polyendocrinopathy syndrome, type I. Identifiers: Orphanet 3453, MedGen C0085859, MONDO:0009411, OMIM 240300.

Submissions (3):

Labcorp Genetics (formerly Invitae), Labcorp
Classification: Pathogenic for Polyglandular autoimmune syndrome, type 1. Last evaluated: 2025-10-21. Review status: criteria provided, single submitter. Criteria: Invitae Variant Classification Sherloc (09022015). Collection method: clinical testing. Allele origin: germline.
Comment: This sequence change creates a premature translational stop signal (p.Leu320Trpfs*58) in the AIRE gene. It is expected to result in an absent or disrupted protein product. Loss-of-function variants in AIRE are known to be pathogenic (PMID: 11524731, 26141571). This variant is not present in population databases (gnomAD no frequency). This premature translational stop signal has been observed in individual(s) with autoimmune polyendocrine syndrome type 1 (PMID: 21865375). It has also been observed to segregate with disease in related individuals. ClinVar contains an entry for this variant (Variation ID: 573407). For these reasons, this variant has been classified as Pathogenic.

Natera, Inc.
Classification: Pathogenic for Polyglandular autoimmune syndrome type 1. Last evaluated: 2025-01-29. Review status: criteria provided, single submitter. Criteria: Natera Variant Classification Schema (03/2026). Collection method: clinical testing. Allele origin: germline.
Comment: The c.958del variant in AIRE is a frameshift variant predicted to shift the reading frame beginning at codon 320 and leads to a stop codon 58 codons downstream. This variant is expected to result in nonsense mediated decay, truncation, or a dysfunctional protein product. This variant is rare in the general population with a frequency below the threshold expected for the associated phenotype(s). This variant has been observed in one or more individuals affected with the associated recessive disease, as either homozygous or compound heterozygous with a second variant (PMID: 38605470, 21865375). Additionally, this variant has been observed to segregate in affected family members (PMID: 21865375). Given the available evidence, this variant is classified as Pathogenic.

National Institute of Allergy and Infectious Diseases - Centralized Sequencing Program, National Institutes of Health
Classification: Pathogenic for APECED. Last evaluated: 2023-09-14. Review status: criteria provided, single submitter. Criteria: ACMG Guidelines, 2015. Collection method: clinical testing. Allele origin: germline. Affected: yes.

Literature cited by the submitters: PubMed 11524731 (cited by Labcorp Genetics (formerly Invitae), Labcorp); PubMed 26141571 (cited by Labcorp Genetics (formerly Invitae), Labcorp); PubMed 21865375 (cited by 3 submitters); PubMed 38605470 (cited by Natera, Inc.); PubMed 35753512 (cited by National Institute of Allergy and Infectious Diseases - Centralized Sequencing Program, National Institutes of Health).

NM_000383.4(AIRE):c.958del (p.Leu320fs)

Gene: AIRE (autoimmune regulator; plus strand). Cytogenetic location: 21q22.3.
Variant type: Deletion.
Coding change: c.958del on transcript NM_000383.4 (MANE Select); coding-DNA position 958, one base deleted (C; older notation c.958delC).
Protein change: p.Leu320fs; shifts the reading frame from leucine 320.
Molecular consequence: frameshift variant.
Genome position (GRCh38, 1-based): chr21:44,291,173, C deleted; the last of 2 consecutive C bases (chr21:44,291,172-44,291,173); deleting either gives the same sequence. VCF-style (leftmost placement, unchanged base first): chr21-44291171-AC-A. GRCh37 (hg19) VCF-style: chr21-45711054-AC-A.
Other names: c.958del (NM_000383.3); short protein forms L320fs.
Identifiers: ClinVar variation 573407 (VCV000573407.10), dbSNP rs1568928525, ClinGen allele CA891844012.